The following is an entry in ClinVar:

ClinVar aggregate classification (germline): Uncertain significance (1 of 4 stars; one submission).

gnomAD v4.1: 3 of 1,611,840 alleles (0.00019%); highest among the groups gnomAD compares: Non-Finnish European, 0.00025%; no homozygotes.

Submission:

Women's Health and Genetics/Laboratory Corporation of America, LabCorp
Classification: Uncertain significance. Last evaluated: 2025-06-16. Review status: criteria provided, single submitter. Criteria: LabCorp Variant Classification Summary - May 2015. Collection method: clinical testing. Allele origin: germline.
Comment: Variant summary: DTNBP1 c.56G>A (p.Gly19Glu) results in a non-conservative amino acid change in the encoded protein sequence. Algorithms developed to predict the effect of missense changes on protein structure and function are either unavailable or do not agree on the potential impact of this missense change. Several computational tools predict a significant impact on normal splicing: Two predict the variant abolishes a 5' splicing donor site. Two predict the variant weakens a 5' donor site. However, these predictions have yet to be confirmed by functional studies. The variant was absent in 245986 control chromosomes. The available data on variant occurrences in the general population are insufficient to allow any conclusion about variant significance. To our knowledge, no occurrence of c.56G>A in individuals affected with Hermansky-Pudlak Syndrome and no experimental evidence demonstrating its impact on protein function have been reported. No submitters have cited clinical-significance assessments for this variant to ClinVar. Based on the evidence outlined above, the variant was classified as uncertain significance.

NM_032122.5(DTNBP1):c.56G>A (p.Gly19Glu)

Genes: DTNBP1 (dystrobrevin binding protein 1; minus strand), LOC129995888 (ATAC-STARR-seq lymphoblastoid silent region 16953; plus strand). Cytogenetic location: 6p22.3.
Variant type: single nucleotide variant.
Coding change: c.56G>A on transcript NM_032122.5 (MANE Select); coding-DNA position 56, G replaced by A.
Protein change: p.Gly19Glu; replaces glycine 19 with glutamic acid.
Molecular consequence: missense variant. On other transcripts: 5 prime UTR variant (1), non-coding transcript variant (1).
Genome position (GRCh38, 1-based): chr6:15,662,814, C>T on the plus strand (G>A on the coding strand, the complement: DTNBP1 is on the minus strand). VCF-style: chr6-15662814-C-T. GRCh37 (hg19) VCF-style: chr6-15663045-C-T.
Other names: c.-233G>A (NM_001271667.2); c.56G>A, p.Gly19Glu (NM_001271668.2, NM_001271669.2, NM_183040.2); short protein forms G19E.
Identifiers: ClinVar variation 3907077 (VCV003907077.1).